The following is an entry in ClinVar:

NM_172362.3(KCNH1):c.2952C>G (p.Asp984Glu)

Gene: KCNH1 (potassium voltage-gated channel subfamily H member 1; minus strand). Cytogenetic location: 1q32.2.
Variant type: single nucleotide variant.
Coding change: c.2952C>G on transcript NM_172362.3 (MANE Select); coding-DNA position 2952, C replaced by G.
Protein change: p.Asp984Glu; replaces aspartic acid 984 with glutamic acid.
Molecular consequence: missense variant.
Genome position (GRCh38, 1-based): chr1:210,683,299, G>C on the plus strand (C>G on the coding strand, the complement: KCNH1 is on the minus strand). VCF-style: chr1-210683299-G-C. GRCh37 (hg19) VCF-style: chr1-210856641-G-C.
Other names: c.2871C>G, p.Asp957Glu (NM_002238.4); short protein forms D957E, D984E.
Identifiers: ClinVar variation 2103705 (VCV002103705.4), dbSNP rs1681318252, ClinGen allele CA344870071.
Genomic context (GRCh38, chr1:210,683,299, plus strand): 5'-GTTGGAGGTATCTGTCTCTGACTTTTTTTTTAAATAGACCTCTCAGCTGGCTCCAAAAAT[G>C]TCTCTCTCTGATTCTGGGGACTGTGGCCTCGATATTTCAAACAACTCCTGAGGAGACTGA-3'
Protein context (NP_758872.1, residues 974-989): SRPQSPESER[Asp984Glu]IFGAS

ClinVar aggregate classification (germline): Uncertain significance (1 of 4 stars; one submission).

Allele frequency attached by ClinVar (database versions not stated): gnomAD 0.00001; TOPMed 0.00001.
gnomAD v4.1: 1 of 1,613,172 alleles (0.000062%); highest among the groups gnomAD compares: African/African-American, 0.0013%; no homozygotes.

Submission:

Labcorp Genetics (formerly Invitae), Labcorp
Classification: Uncertain significance. Last evaluated: 2026-01-09. Review status: criteria provided, single submitter. Criteria: Invitae Variant Classification Sherloc (09022015). Collection method: clinical testing. Allele origin: germline.
Comment: This sequence change replaces aspartic acid, which is acidic and polar, with glutamic acid, which is acidic and polar, at codon 984 of the KCNH1 protein (p.Asp984Glu). This variant is not present in population databases (gnomAD no frequency). This variant has not been reported in the literature in individuals affected with KCNH1-related conditions. ClinVar contains an entry for this variant (Variation ID: 2103705). An algorithm developed to predict the effect of missense changes on protein structure and function outputs the following: PolyPhen-2: "Benign". The glutamic acid amino acid residue is found in multiple mammalian species, which suggests that this missense change does not adversely affect protein function. In summary, the available evidence is currently insufficient to determine the role of this variant in disease. Therefore, it has been classified as a Variant of Uncertain Significance.